The following is an entry in ClinVar:

NM_000260.4(MYO7A):c.6316A>G (p.Lys2106Glu)

Gene: MYO7A (myosin VIIA; plus strand). Cytogenetic location: 11q13.5.
Variant type: single nucleotide variant.
Coding change: c.6316A>G on transcript NM_000260.4 (MANE Select); coding-DNA position 6316, A replaced by G.
Protein change: p.Lys2106Glu; replaces lysine 2106 with glutamic acid.
Molecular consequence: missense variant.
Genome position (GRCh38, 1-based): chr11:77,211,899, A>G. VCF-style: chr11-77211899-A-G. GRCh37 (hg19) VCF-style: chr11-76922944-A-G.
Other names: c.6202A>G, p.Lys2068Glu (NM_001127180.2); c.6169A>G, p.Lys2057Glu (NM_001369365.1); short protein forms K2057E, K2106E, K2068E.
Identifiers: ClinVar variation 2704256 (VCV002704256.3), dbSNP rs2497812887, ClinGen allele CA381936600.

ClinVar aggregate classification (germline): Uncertain significance (1 of 4 stars; one submission).

Submission:

Labcorp Genetics (formerly Invitae), Labcorp
Classification: Uncertain significance. Last evaluated: 2023-06-09. Review status: criteria provided, single submitter. Criteria: Invitae Variant Classification Sherloc (09022015). Collection method: clinical testing. Allele origin: germline.
Comment: In summary, the available evidence is currently insufficient to determine the role of this variant in disease. Therefore, it has been classified as a Variant of Uncertain Significance. Advanced modeling of protein sequence and biophysical properties (such as structural, functional, and spatial information, amino acid conservation, physicochemical variation, residue mobility, and thermodynamic stability) performed at Invitae indicates that this missense variant is not expected to disrupt MYO7A protein function. This variant has not been reported in the literature in individuals affected with MYO7A-related conditions. This variant is not present in population databases (gnomAD no frequency). This sequence change replaces lysine, which is basic and polar, with glutamic acid, which is acidic and polar, at codon 2106 of the MYO7A protein (p.Lys2106Glu).